The following is an entry in ClinVar:

ClinVar aggregate classification (germline): Likely benign (0 of 4 stars; one submission).

Conditions:
TNK1-related disorder. Also called: TNK1-related condition.

gnomAD v4.1: 58 of 1,613,612 alleles (0.0036%); highest among the groups gnomAD compares: African/African-American, 0.008%; no homozygotes.

Submission:

PreventionGenetics, part of Exact Sciences
Classification: Likely benign for TNK1-related condition. Last evaluated: 2019-04-29. Review status: no assertion criteria provided. Collection method: clinical testing. Allele origin: germline.
Comment: This variant is classified as likely benign based on ACMG/AMP sequence variant interpretation guidelines (Richards et al. 2015 PMID: 25741868, with internal and published modifications).

NM_003985.6(TNK1):c.1746C>T (p.Ser582=)

Gene: TNK1 (tyrosine kinase non receptor 1; plus strand). Cytogenetic location: 17p13.1.
Variant type: single nucleotide variant.
Coding change: c.1746C>T on transcript NM_003985.6 (MANE Select); coding-DNA position 1746, C replaced by T.
Protein change: p.Ser582=; no amino-acid change (serine 582 retained).
Molecular consequence: synonymous variant.
Genome position (GRCh38, 1-based): chr17:7,388,674, C>T. VCF-style: chr17-7388674-C-T. GRCh37 (hg19) VCF-style: chr17-7291993-C-T.
Other names: c.1761C>T, p.Ser587= (NM_001251902.3).
Identifiers: ClinVar variation 3353079 (VCV003353079.1).
Genomic context (GRCh38, chr17:7,388,674, plus strand): 5'-TCACCCCATGGGAATGCCTGGAGCCCGTAAAGCCGCTGCCCTCTCTGGAGGCCTCTTGTC[C>T]GATCCTGAGTTGCAGAGGAAGATTATGGAGGTGAGGTCTCACTGAAATGGCCTGGTGTCC-3'
Protein context (NP_003976.2, residues 572-592): KAAALSGGLL[Ser582=]DPELQRKIME